The following is an entry in ClinVar:

ClinVar aggregate classification (germline): Uncertain significance (1 of 4 stars; one submission).

Submission:

GeneDx
Classification: Uncertain significance. Last evaluated: 2025-04-04. Review status: criteria provided, single submitter. Criteria: GeneDx Variant Classification Process June 2021. Collection method: clinical testing. Allele origin: germline. Affected: yes.
Comment: Not observed at significant frequency in large population cohorts (gnomAD); In silico analysis supports that this missense variant has a deleterious effect on protein structure/function; Has not been previously published as pathogenic or benign to our knowledge

NM_021096.4(CACNA1I):c.4465C>G (p.Leu1489Val)

Gene: CACNA1I (calcium voltage-gated channel subunit alpha1 I; plus strand). Cytogenetic location: 22q13.1.
Variant type: single nucleotide variant.
Coding change: c.4465C>G on transcript NM_021096.4 (MANE Select); coding-DNA position 4465, C replaced by G.
Protein change: p.Leu1489Val; replaces leucine 1489 with valine.
Molecular consequence: missense variant.
Genome position (GRCh38, 1-based): chr22:39,670,880, C>G. VCF-style: chr22-39670880-C-G. GRCh37 (hg19) VCF-style: chr22-40066885-C-G.
Other names: c.4360C>G, p.Leu1454Val (NM_001003406.2); short protein forms L1454V, L1489V.
Identifiers: ClinVar variation 4281734 (VCV004281734.1).
Genomic context (GRCh38, chr22:39,670,880, plus strand): 5'-TACTATGCCACCTATTGTCACACCCGGCTGCTCATCCACTCCATGTGCACCAGCCACTAC[C>G]TGGACATCTTCATCACCTTCATCATCTGCCTCAACGTGGTCACCATGTCCCTGGAGCACT-3'
Protein context (NP_066919.2, residues 1479-1499): LIHSMCTSHY[Leu1489Val]DIFITFIICL